The following is an entry in ClinVar:

NM_001267550.2(TTN):c.54812-1G>T

Genes: TTN-AS1 (TTN antisense RNA 1; plus strand), TTN (titin; minus strand). Cytogenetic location: 2q31.2.
Variant type: single nucleotide variant.
Coding change: c.54812-1G>T on transcript NM_001267550.2 (MANE Select); the canonical splice acceptor site of the intron before coding-DNA position 54812, G replaced by T.
Molecular consequence: splice acceptor variant.
Genome position (GRCh38, 1-based): chr2:178,602,591, C>A on the plus strand (G>T on the coding strand, the complement: TTN is on the minus strand). VCF-style: chr2-178602591-C-A. GRCh37 (hg19) VCF-style: chr2-179467318-C-A.
Other names: c.27617-1G>T (NM_003319.4); c.28193-1G>T (NM_133437.4); c.27992-1G>T (NM_133432.3); c.47108-1G>T (NM_133378.4); c.49889-1G>T (NM_001256850.1).
Identifiers: ClinVar variation 466639 (VCV000466639.10), dbSNP rs1416873295, ClinGen allele CA349547316.
Genomic context (GRCh38, chr2:178,602,591, plus strand): 5'-GTGAGATGCTTGACTTCGTTTTATCTTTAACTTCTGGGCAAGAAGGTGGCCCCGGTGGAA[C>A]TAATAACAAAAGAAAAAAAAAAGCTTCATCAGATTTTGAAGCTGATGAAGTGCTGGAGTC-3'

ClinVar aggregate classification (germline): Likely pathogenic (1 of 4 stars; one submission).

Conditions:
Autosomal recessive limb-girdle muscular dystrophy type 2J (LGMDR10). Also called: Limb-girdle muscular dystrophy, type 2J; MUSCULAR DYSTROPHY, LIMB-GIRDLE, AUTOSOMAL RECESSIVE 10. Identifiers: Orphanet 140922, MedGen C1837342, MONDO:0012127, OMIM 608807.
Dilated cardiomyopathy 1G (CMD1G). Identifiers: Orphanet 154, MedGen C1858763, MONDO:0011400, OMIM 604145.

Allele frequency attached by ClinVar (database versions not stated): gnomAD exomes below 0.00001.

Submission:

Labcorp Genetics (formerly Invitae), Labcorp
Classification: Likely pathogenic for Dilated cardiomyopathy 1G; Autosomal recessive limb-girdle muscular dystrophy type 2J. Last evaluated: 2022-02-10. Review status: criteria provided, single submitter. Criteria: Invitae Variant Classification Sherloc (09022015). Collection method: clinical testing. Allele origin: germline.
Comment: In summary, the currently available evidence indicates that the variant is pathogenic, but additional data are needed to prove that conclusively. Therefore, this variant has been classified as Likely Pathogenic. This variant is located in the A band of TTN (PMID: 25589632). Truncating variants in this region are significantly overrepresented in patients affected with dilated cardiomyopathy (PMID: 25589632). Truncating variants in this region have also been reported in individuals affected with autosomal recessive centronuclear myopathy (PMID: 23975875). Algorithms developed to predict the effect of sequence changes on RNA splicing suggest that this variant may disrupt the consensus splice site. ClinVar contains an entry for this variant (Variation ID: 466639). This variant has not been reported in the literature in individuals affected with TTN-related conditions. This variant is not present in population databases (gnomAD no frequency). This sequence change affects an acceptor splice site in intron 282 of the TTN gene. It is expected to disrupt RNA splicing and likely results in a truncated or disrupted TTN protein.

Literature cited by the submitters: PubMed 25589632; PubMed 23975875.